The following is an entry in ClinVar:

ClinVar aggregate classification (germline): Pathogenic (1 of 4 stars; one submission).

Conditions:
Hereditary nonpolyposis colorectal neoplasms. Identifiers: MedGen C0009405, MeSH D003123.

Submission:

Labcorp Genetics (formerly Invitae), Labcorp
Classification: Pathogenic for Hereditary nonpolyposis colon cancer. Last evaluated: 2018-02-11. Review status: criteria provided, single submitter. Criteria: Invitae Variant Classification Sherloc (09022015). Collection method: clinical testing. Allele origin: germline.
Comment: A gross deletion of the genomic region encompassing the full coding sequence of the MSH6 gene has been identified. The boundaries of this event are unknown as the deletion extends beyond the assayed region for this gene and therefore may encompass additional genes. Deletion of the entire MSH6 gene has been reported in individuals affected with endometrial cancer and colorectal cancer (PMID: 24323032, 28135145) and in a family from the Danish hereditary nonpolyposis colorectal cancer (HNPCC) register (PMID: 18566915). Loss-of-function variants in MSH6 are known to be pathogenic (PMID: 18269114, 24362816). For these reasons, this variant has been classified as Pathogenic.

Literature cited by the submitters: PubMed 28135145; PubMed 18566915; PubMed 24323032.

NC_000002.12:g.(?_47783228)_(47806866_?)del

Genes: MSH6 (mutS homolog 6; plus strand), LOC129933707 (ATAC-STARR-seq lymphoblastoid silent region 11468; plus strand), LOC129933708 (ATAC-STARR-seq lymphoblastoid silent region 11469; plus strand). Cytogenetic location: 2p16.3.
Variant type: Deletion.
Identifiers: ClinVar variation 525970 (VCV000525970.1).